The following is an entry in ClinVar:

ClinVar aggregate classification (germline): Uncertain significance (1 of 4 stars; one submission).

Allele frequency attached by ClinVar (database versions not stated): ExAC 0.00002; gnomAD 0.00002; TOPMed 0.00002.
gnomAD v4.1: 27 of 1,613,690 alleles (0.0017%); highest among the groups gnomAD compares: Non-Finnish European, 0.0021%; no homozygotes.

Submission:

Labcorp Genetics (formerly Invitae), Labcorp
Classification: Uncertain significance. Last evaluated: 2025-03-07. Review status: criteria provided, single submitter. Criteria: Invitae Variant Classification Sherloc (09022015). Collection method: clinical testing. Allele origin: germline.
Comment: This sequence change replaces serine, which is neutral and polar, with asparagine, which is neutral and polar, at codon 215 of the NFE2L2 protein (p.Ser215Asn). This variant is present in population databases (rs774762514, gnomAD 0.004%). This variant has not been reported in the literature in individuals affected with NFE2L2-related conditions. ClinVar contains an entry for this variant (Variation ID: 1903047). Invitae Evidence Modeling of protein sequence and biophysical properties (such as structural, functional, and spatial information, amino acid conservation, physicochemical variation, residue mobility, and thermodynamic stability) indicates that this missense variant is not expected to disrupt NFE2L2 protein function with a negative predictive value of 80%. In summary, the available evidence is currently insufficient to determine the role of this variant in disease. Therefore, it has been classified as a Variant of Uncertain Significance.

NM_006164.5(NFE2L2):c.644G>A (p.Ser215Asn)

Gene: NFE2L2 (NFE2 like bZIP transcription factor 2; minus strand). Cytogenetic location: 2q31.2.
Variant type: single nucleotide variant.
Coding change: c.644G>A on transcript NM_006164.5 (MANE Select); coding-DNA position 644, G replaced by A.
Protein change: p.Ser215Asn; replaces serine 215 with asparagine.
Molecular consequence: missense variant.
Genome position (GRCh38, 1-based): chr2:177,231,959, C>T on the plus strand (G>A on the coding strand, the complement: NFE2L2 is on the minus strand). VCF-style: chr2-177231959-C-T. GRCh37 (hg19) VCF-style: chr2-178096687-C-T.
Other names: c.596G>A, p.Ser199Asn (NM_001145412.3, NM_001313900.1, NM_001313901.1); c.575G>A, p.Ser192Asn (NM_001145413.3); c.554G>A, p.Ser185Asn (NM_001313902.2); c.425G>A, p.Ser142Asn (NM_001313903.2); c.344G>A, p.Ser115Asn (NM_001313904.1); short protein forms S115N, S199N, S215N, S192N, S142N, S185N.
Identifiers: ClinVar variation 1903047 (VCV001903047.5), dbSNP rs774762514, ClinGen allele CA1979818.